The following is an entry in ClinVar:

NM_001040142.2(SCN2A):c.2942dup (p.Leu981fs)

Gene: SCN2A (sodium voltage-gated channel alpha subunit 2; plus strand). Cytogenetic location: 2q24.3.
Variant type: Duplication.
Coding change: c.2942dup on transcript NM_001040142.2 (MANE Select); coding-DNA position 2942, one base duplicated (T; older notation c.2942dupT).
Protein change: p.Leu981fs; shifts the reading frame from leucine 981.
Molecular consequence: frameshift variant.
Genome position (GRCh38, 1-based): chr2:165,354,214, T duplicated; the last of 2 consecutive T bases (chr2:165,354,213-165,354,214); duplicating either gives the same sequence. VCF-style (leftmost placement, unchanged base first): chr2-165354212-C-CT. GRCh37 (hg19) VCF-style: chr2-166210722-C-CT.
Other names: c.2942dup, p.Leu981fs (NM_001040143.2, NM_001371246.1, NM_001371247.1 and 1 more transcripts); c.2942dupT (NM_021007.2); short protein forms L981fs.
Identifiers: ClinVar variation 450121 (VCV000450121.2), dbSNP rs1553583550, ClinGen allele CA658657090.

ClinVar aggregate classification (germline): Pathogenic (1 of 4 stars; one submission).

Submission:

GeneDx
Classification: Pathogenic. Last evaluated: 2017-06-29. Review status: criteria provided, single submitter. Criteria: GeneDx Variant Classification (06012015). Collection method: clinical testing. Allele origin: germline. Affected: yes.
Comment: The c.2942dupT variant in the SCN2A gene has not been reported previously as a pathogenic variant nor as a benign variant, to our knowledge. The c.2942dupT variant causes a frameshift starting with codon Leucine 981, changes this amino acid to a Phenylalanine residue, and creates a premature Stop codon at position 9 of the new reading frame, denoted p.Leu981PhefsX9. This variant is predicted to cause loss of normal protein function either through protein truncation or nonsense-mediated mRNA decay. The c.2942dupT variant is not observed in large population cohorts (Lek et al., 2016; 1000 Genomes Consortium et al., 2015; Exome Variant Server). We interpret c.2942dupT as a pathogenic variant.